The following is an entry in ClinVar:

NM_000944.5(PPP3CA):c.147T>A (p.His49Gln)

Gene: PPP3CA (protein phosphatase 3 catalytic subunit alpha; minus strand). Cytogenetic location: 4q24.
Variant type: single nucleotide variant.
Coding change: c.147T>A on transcript NM_000944.5 (MANE Select); coding-DNA position 147, T replaced by A.
Protein change: p.His49Gln; replaces histidine 49 with glutamine.
Molecular consequence: missense variant.
Genome position (GRCh38, 1-based): chr4:101,196,028, A>T on the plus strand (T>A on the coding strand, the complement: PPP3CA is on the minus strand). VCF-style: chr4-101196028-A-T. GRCh37 (hg19) VCF-style: chr4-102117185-A-T.
Other names: c.147T>A, p.His49Gln (NM_001130691.2, NM_001130692.2); short protein forms H49Q.
Identifiers: ClinVar variation 1720427 (VCV001720427.5), dbSNP rs1724777986, ClinGen allele CA357950960.
Genomic context (GRCh38, chr4:101,196,028, plus strand): 5'-TGCACCCTCTGTTATTATTCTCAATGCAACACTCTCTTCCAGCCTTCCCTCCTTCATAAG[A>T]TGCGCCTTTAAGATATCCACACGAGGTTTTCCATCATTATCAAACACTTCTTTTGCTGTA-3'
Protein context (NP_000935.1, residues 39-59): GKPRVDILKA[His49Gln]LMKEGRLEES

ClinVar aggregate classification (germline): Uncertain significance (1 of 4 stars; one submission).

Submission:

Labcorp Genetics (formerly Invitae), Labcorp
Classification: Uncertain significance. Last evaluated: 2022-10-04. Review status: criteria provided, single submitter. Criteria: Invitae Variant Classification Sherloc (09022015). Collection method: clinical testing. Allele origin: germline.
Comment: In summary, the available evidence is currently insufficient to determine the role of this variant in disease. Therefore, it has been classified as a Variant of Uncertain Significance. Advanced modeling of protein sequence and biophysical properties (such as structural, functional, and spatial information, amino acid conservation, physicochemical variation, residue mobility, and thermodynamic stability) performed at Invitae indicates that this missense variant is expected to disrupt PPP3CA protein function. This variant has not been reported in the literature in individuals affected with PPP3CA-related conditions. This variant is not present in population databases (gnomAD no frequency). This sequence change replaces histidine, which is basic and polar, with glutamine, which is neutral and polar, at codon 49 of the PPP3CA protein (p.His49Gln).